The following is an entry in ClinVar:

NM_207361.6(FREM2):c.*5344T>G

Gene: FREM2 (FRAS1 related extracellular matrix 2; plus strand). Cytogenetic location: 13q13.3.
Variant type: single nucleotide variant.
Coding change: c.*5344T>G on transcript NM_207361.6 (MANE Select); 5344 bases downstream of the stop codon, T replaced by G.
Molecular consequence: 3 prime UTR variant.
Genome position (GRCh38, 1-based): chr13:38,886,131, T>G. VCF-style: chr13-38886131-T-G. GRCh37 (hg19) VCF-style: chr13-39460268-T-G.
Identifiers: ClinVar variation 882964 (VCV000882964.4), dbSNP rs7327183, ClinGen allele CA248325928.

ClinVar aggregate classification (germline): Benign (1 of 4 stars; one submission).

Conditions:
Fraser syndrome 2 (FRASRS2). Identifiers: MedGen C4540036, MONDO:0054738, OMIM 617666.

Allele frequency attached by ClinVar (database versions not stated): gnomAD 0.00779 and 0.00833; 1000 Genomes Project 0.00819; TOPMed 0.00859; 1000 Genomes Project 30x 0.00874.

Submission:

Illumina Laboratory Services, Illumina
Classification: Benign for Fraser syndrome 2. Last evaluated: 2018-01-13. Review status: criteria provided, single submitter. Criteria: ICSL Variant Classification Criteria 13 December 2019. Collection method: clinical testing. Allele origin: germline.
Comment: This variant was observed in the ICSL laboratory as part of a predisposition screen in an ostensibly healthy population. It had not been previously curated by ICSL or reported in the Human Gene Mutation Database (HGMD: prior to June 1st, 2018), and was therefore a candidate for classification through an automated scoring system. Utilizing variant allele frequency, disease prevalence and penetrance estimates, and inheritance mode, an automated score was calculated to assess if this variant is too frequent to cause the disease. Based on the score and internal cut-off values, a variant classified as benign is not then subjected to further curation. The score for this variant resulted in a classification of benign for this disease.